The following is an entry in ClinVar:

ClinVar aggregate classification (germline): Uncertain significance (1 of 4 stars; one submission).

Conditions:
Lower motor neuron syndrome with late-adult onset (SMAJ). Also called: Spinal muscular atrophy, Jokela type; Late-Onset Spinal Motor Neuronopathy (SMAJ). Identifiers: Orphanet 276435, MedGen C3554398, MONDO:0014025, OMIM 615048.
Frontotemporal dementia and/or amyotrophic lateral sclerosis 2. Also called: FTDALS2. Identifiers: Orphanet 275872, MedGen C4014648, MONDO:0014395, OMIM 615911.
Autosomal dominant mitochondrial myopathy with exercise intolerance (IMMD). Also called: Myopathy, isolated mitochondrial, autosomal dominant. Identifiers: Orphanet 457050, MedGen C4015513, MONDO:0014532, OMIM 616209.

Allele frequency attached by ClinVar (database versions not stated): gnomAD exomes below 0.00001; TOPMed below 0.00001.
gnomAD v4.1: 1 of 1,528,686 alleles (0.000065%); highest among the groups gnomAD compares: Non-Finnish European, 0.000088%; no homozygotes.

Submission:

Labcorp Genetics (formerly Invitae), Labcorp
Classification: Uncertain significance for Lower motor neuron syndrome with late-adult onset; Frontotemporal dementia and/or amyotrophic lateral sclerosis 2; Autosomal dominant mitochondrial myopathy with exercise intolerance. Last evaluated: 2024-02-17. Review status: criteria provided, single submitter. Criteria: Invitae Variant Classification Sherloc (09022015). Collection method: clinical testing. Allele origin: germline.
Comment: This sequence change replaces alanine, which is neutral and non-polar, with valine, which is neutral and non-polar, at codon 13 of the CHCHD10 protein (p.Ala13Val). This variant is not present in population databases (gnomAD no frequency). This variant has not been reported in the literature in individuals affected with CHCHD10-related conditions. ClinVar contains an entry for this variant (Variation ID: 1495520). Algorithms developed to predict the effect of missense changes on protein structure and function output the following: SIFT: "Not Available"; PolyPhen-2: "Not Available"; Align-GVGD: "Not Available". The valine amino acid residue is found in multiple mammalian species, which suggests that this missense change does not adversely affect protein function. In summary, the available evidence is currently insufficient to determine the role of this variant in disease. Therefore, it has been classified as a Variant of Uncertain Significance.

NM_213720.3(CHCHD10):c.38C>T (p.Ala13Val)

Gene: CHCHD10 (coiled-coil-helix-coiled-coil-helix domain containing 10; minus strand). Cytogenetic location: 22q11.23.
Variant type: single nucleotide variant.
Coding change: c.38C>T on transcript NM_213720.3 (MANE Select); coding-DNA position 38, C replaced by T.
Protein change: p.Ala13Val; replaces alanine 13 with valine.
Molecular consequence: missense variant. On other transcripts: non-coding transcript variant (2).
Genome position (GRCh38, 1-based): chr22:23,767,837, G>A on the plus strand (C>T on the coding strand, the complement: CHCHD10 is on the minus strand). VCF-style: chr22-23767837-G-A. GRCh37 (hg19) VCF-style: chr22-24110024-G-A.
Other names: c.38C>T, p.Ala13Val (NM_001301339.2); short protein forms A13V.
Identifiers: ClinVar variation 1495520 (VCV001495520.6), dbSNP rs1926990244, ClinGen allele CA410917420.
Genomic context (GRCh38, chr22:23,767,837, plus strand): 5'-GGGGAGTGCCCACACTTCCCTAACCCCCTCCCCACAGGGCCCTTGTCCCCCTCACACCTG[G>A]CTGGCCGGGAGGCCGCGCTGCGGCTTCCCCGAGGCATGGTGGCGGCGGTGGGACCCGGGC-3'
Protein context (NP_998885.1, residues 3-23): RGSRSAASRP[Ala13Val]SRPAAPSAHP